The following is an entry in ClinVar:

NM_001378457.1(DMXL2):c.7923T>A (p.Ser2641Arg)

Gene: DMXL2 (Dmx like 2; minus strand). Cytogenetic location: 15q21.2.
Variant type: single nucleotide variant.
Coding change: c.7923T>A on transcript NM_001378457.1 (MANE Select); coding-DNA position 7923, T replaced by A.
Protein change: p.Ser2641Arg; replaces serine 2641 with arginine.
Molecular consequence: missense variant. On other transcripts: non-coding transcript variant (1).
Genome position (GRCh38, 1-based): chr15:51,463,382, A>T on the plus strand (T>A on the coding strand, the complement: DMXL2 is on the minus strand). VCF-style: chr15-51463382-A-T. GRCh37 (hg19) VCF-style: chr15-51755579-A-T.
Other names: c.7923T>A, p.Ser2641Arg (NM_001174116.3, NM_001378461.1); c.6012T>A, p.Ser2004Arg (NM_001174117.3); c.7920T>A, p.Ser2640Arg (NM_001378458.1, NM_001378462.1, NM_015263.5); c.7635T>A, p.Ser2545Arg (NM_001378459.1); c.5901T>A, p.Ser1967Arg (NM_001378460.1); c.7721T>A, p.Val2574Glu (NM_001378463.1); c.7680T>A, p.Ser2560Arg (NM_001378464.1); short protein forms V2574E, S2641R, S1967R, S2560R, S2640R, S2004R, S2545R.
Identifiers: ClinVar variation 1981018 (VCV001981018.1), dbSNP rs1285484746, ClinGen allele CA392437961.
Genomic context (GRCh38, chr15:51,463,382, plus strand): 5'-GAAATGTTAAAGAAAACTAAAGAAAAATTACAATAGAAAATATTTTTCTCAAAATACCTC[A>T]CTCTGCTTTCTTTTCTTAGTGAAAATATATCTAATAAATGTCTCTTGAAGGACCTCTTGT-3'
Protein context (NP_001365386.1, residues 2631-2651): RYIFTKKRKQ[Ser2641Arg]ESIEEHVEQV

ClinVar aggregate classification (germline): Uncertain significance (1 of 4 stars; one submission).

Allele frequency attached by ClinVar (database versions not stated): TOPMed 0.00001.

Submission:

Labcorp Genetics (formerly Invitae), Labcorp
Classification: Uncertain significance. Last evaluated: 2022-06-26. Review status: criteria provided, single submitter. Criteria: Invitae Variant Classification Sherloc (09022015). Collection method: clinical testing. Allele origin: germline.
Comment: This sequence change replaces serine, which is neutral and polar, with arginine, which is basic and polar, at codon 2641 of the DMXL2 protein (p.Ser2641Arg). This variant is present in population databases (no rsID available, gnomAD 0.01%). This variant has not been reported in the literature in individuals affected with DMXL2-related conditions. Algorithms developed to predict the effect of missense changes on protein structure and function are either unavailable or do not agree on the potential impact of this missense change (SIFT: "Deleterious"; PolyPhen-2: "Possibly Damaging"; Align-GVGD: "Class C0"). In summary, the available evidence is currently insufficient to determine the role of this variant in disease. Therefore, it has been classified as a Variant of Uncertain Significance.